The following is an entry in ClinVar:

NM_000170.3(GLDC):c.2122G>T (p.Glu708Ter)

Gene: GLDC (glycine decarboxylase; minus strand). Cytogenetic location: 9p24.1.
Variant type: single nucleotide variant.
Coding change: c.2122G>T on transcript NM_000170.3 (MANE Select); coding-DNA position 2122, G replaced by T.
Protein change: p.Glu708Ter; replaces glutamic acid 708 with a stop codon.
Molecular consequence: nonsense.
Genome position (GRCh38, 1-based): chr9:6,556,233, C>A on the plus strand (G>T on the coding strand, the complement: GLDC is on the minus strand). VCF-style: chr9-6556233-C-A. GRCh37 (hg19) VCF-style: chr9-6556233-C-A.
Other names: short protein forms E708*.
Identifiers: ClinVar variation 4724372 (VCV004724372.1).

ClinVar aggregate classification (germline): Pathogenic (1 of 4 stars; one submission).

Conditions:
Glycine encephalopathy. Also called: Nonketotic hyperglycinemia; Non-ketotic hyperglycinemia. Identifiers: Orphanet 407, MedGen C0751748, MONDO:0011612, HP:0008288.

Submission:

Labcorp Genetics (formerly Invitae), Labcorp
Classification: Pathogenic for Glycine encephalopathy. Last evaluated: 2025-07-30. Review status: criteria provided, single submitter. Criteria: Invitae Variant Classification Sherloc (09022015). Collection method: clinical testing. Allele origin: germline.
Comment: This sequence change creates a premature translational stop signal (p.Glu708*) in the GLDC gene. It is expected to result in an absent or disrupted protein product. Loss-of-function variants in GLDC are known to be pathogenic (PMID: 16601880). This variant is not present in population databases (gnomAD no frequency). This variant has not been reported in the literature in individuals affected with GLDC-related conditions. Algorithms developed to predict the effect of sequence changes on RNA splicing suggest that this variant may disrupt the consensus splice site. For these reasons, this variant has been classified as Pathogenic.

Literature cited by the submitters: PubMed 16601880.